The following is an entry in ClinVar:

NM_001283009.2(RTEL1):c.3514G>A (p.Glu1172Lys)

Genes: RTEL1 (regulator of telomere elongation helicase 1; plus strand), RTEL1-TNFRSF6B (RTEL1-TNFRSF6B readthrough (NMD candidate); plus strand). Cytogenetic location: 20q13.33.
Variant type: single nucleotide variant.
Coding change: c.3514G>A on transcript NM_001283009.2 (MANE Select); coding-DNA position 3514, G replaced by A.
Protein change: p.Glu1172Lys; replaces glutamic acid 1172 with lysine.
Molecular consequence: missense variant. On other transcripts: non-coding transcript variant (1).
Genome position (GRCh38, 1-based): chr20:63,695,342, G>A. VCF-style: chr20-63695342-G-A. GRCh37 (hg19) VCF-style: chr20-62326695-G-A.
Other names: c.2845G>A, p.Glu949Lys (NM_001283010.1); c.3514G>A, p.Glu1172Lys (NM_016434.4); c.3586G>A, p.Glu1196Lys (NM_032957.5); short protein forms E949K, E1196K, E1172K.
Identifiers: ClinVar variation 2169267 (VCV002169267.3), dbSNP rs140411308, ClinGen allele CA9966103.

ClinVar aggregate classification (germline): Uncertain significance. Review status: criteria provided, multiple submitters, no conflicts (2 of 4 stars). 2 submissions from 2 submitters: Uncertain significance (2). Last evaluated 2024-04-05.

Conditions:
Dyskeratosis congenita, autosomal recessive 5 (DKCB5). Identifiers: MedGen C3554656, MONDO:0014076, OMIM 615190.
Pulmonary fibrosis and/or bone marrow failure, Telomere-related, 3. Also called: PULMONARY FIBROSIS AND/OR BONE MARROW FAILURE SYNDROME, TELOMERE-RELATED, 3. Identifiers: Orphanet 2032, MedGen C4225346, MONDO:0014613, OMIM 616373.

Allele frequency attached by ClinVar (database versions not stated): ExAC 0.00002; TOPMed 0.00002; gnomAD 0.00003; ESP Exome Variant Server 0.00008.
gnomAD v4.1: 23 of 1,553,890 alleles (0.0015%); highest among the groups gnomAD compares: Admixed American, 0.0037%; no homozygotes.

Submissions (2):

GeneDx
Classification: Uncertain significance. Last evaluated: 2024-04-05. Review status: criteria provided, single submitter. Criteria: GeneDx Variant Classification Process June 2021. Collection method: clinical testing. Allele origin: germline. Affected: yes.
Comment: Not observed at significant frequency in large population cohorts (gnomAD); In silico analysis indicates that this missense variant does not alter protein structure/function; Has not been previously published as pathogenic or benign to our knowledge

Labcorp Genetics (formerly Invitae), Labcorp
Classification: Uncertain significance for Dyskeratosis congenita, autosomal recessive 5; Pulmonary fibrosis and/or bone marrow failure, Telomere-related, 3. Last evaluated: 2024-01-11. Review status: criteria provided, single submitter. Criteria: Invitae Variant Classification Sherloc (09022015). Collection method: clinical testing. Allele origin: germline.
Comment: This sequence change replaces glutamic acid, which is acidic and polar, with lysine, which is basic and polar, at codon 1172 of the RTEL1 protein (p.Glu1172Lys). This variant is present in population databases (rs140411308, gnomAD 0.006%). This variant has not been reported in the literature in individuals affected with RTEL1-related conditions. ClinVar contains an entry for this variant (Variation ID: 2169267). Algorithms developed to predict the effect of missense changes on protein structure and function output the following: SIFT: "Not Available"; PolyPhen-2: "Benign"; Align-GVGD: "Not Available". The lysine amino acid residue is found in multiple mammalian species, which suggests that this missense change does not adversely affect protein function. In summary, the available evidence is currently insufficient to determine the role of this variant in disease. Therefore, it has been classified as a Variant of Uncertain Significance.